The following is an entry in ClinVar:

ClinVar aggregate classification (germline): Uncertain significance. Review status: criteria provided, multiple submitters, no conflicts (2 of 4 stars). 2 submissions from 2 submitters: Uncertain significance (2). Last evaluated 2025-08-08.

Conditions:
Hereditary pancreatitis (PCTT). Also called: Hereditary chronic pancreatitis; PRSS1-Related Hereditary Pancreatitis. Identifiers: Orphanet 676, MedGen C0238339, MONDO:0008185, OMIM 167800.

Allele frequency attached by ClinVar (database versions not stated): gnomAD exomes below 0.00001.
gnomAD v4.1: 2 of 1,614,028 alleles (0.00012%); highest among the groups gnomAD compares: East Asian, 0.0022%; no homozygotes.

Submissions (2):

Ambry Genetics
Classification: Uncertain significance for Hereditary pancreatitis. Last evaluated: 2025-08-08. Review status: criteria provided, single submitter. Criteria: Ambry Variant Classification Scheme 2023. Collection method: clinical testing. Allele origin: germline.
Comment: The p.A336V variant (also known as c.1007C>T), located in coding exon 9 of the CPA1 gene, results from a C to T substitution at nucleotide position 1007. The alanine at codon 336 is replaced by valine, an amino acid with similar properties. This amino acid position is conserved. In addition, this alteration is predicted to be tolerated by in silico analysis. Based on the available evidence, the clinical significance of this variant remains unclear.

Labcorp Genetics (formerly Invitae), Labcorp
Classification: Uncertain significance. Last evaluated: 2024-04-29. Review status: criteria provided, single submitter. Criteria: Invitae Variant Classification Sherloc (09022015). Collection method: clinical testing. Allele origin: germline.
Comment: This sequence change replaces alanine, which is neutral and non-polar, with valine, which is neutral and non-polar, at codon 336 of the CPA1 protein (p.Ala336Val). This variant is not present in population databases (gnomAD no frequency). This variant has not been reported in the literature in individuals affected with CPA1-related conditions. Advanced modeling of protein sequence and biophysical properties (such as structural, functional, and spatial information, amino acid conservation, physicochemical variation, residue mobility, and thermodynamic stability) performed at Invitae indicates that this missense variant is not expected to disrupt CPA1 protein function with a negative predictive value of 80%. In summary, the available evidence is currently insufficient to determine the role of this variant in disease. Therefore, it has been classified as a Variant of Uncertain Significance.

NM_001868.4(CPA1):c.1007C>T (p.Ala336Val)

Gene: CPA1 (carboxypeptidase A1; plus strand). Cytogenetic location: 7q32.2.
Variant type: single nucleotide variant.
Coding change: c.1007C>T on transcript NM_001868.4 (MANE Select); coding-DNA position 1007, C replaced by T.
Protein change: p.Ala336Val; replaces alanine 336 with valine.
Molecular consequence: missense variant.
Genome position (GRCh38, 1-based): chr7:130,385,858, C>T. VCF-style: chr7-130385858-C-T. GRCh37 (hg19) VCF-style: chr7-130025699-C-T.
Other names: c.1007C>T (NM_001868.2); short protein forms A336V.
Identifiers: ClinVar variation 2987021 (VCV002987021.4), dbSNP rs2536013146, ClinGen allele CA369284014.